The following is an entry in ClinVar:

NM_000038.6(APC):c.3179_3183del (p.Ile1060fs)

Gene: APC (APC regulator of Wnt signaling pathway; plus strand). Cytogenetic location: 5q22.2.
Variant type: Deletion.
Coding change: c.3179_3183del on transcript NM_000038.6 (MANE Select); coding-DNA positions 3179 to 3183, 5 bases deleted (TAAAA; older notation c.3179_3183delTAAAA).
Protein change: p.Ile1060fs; shifts the reading frame from isoleucine 1060.
Molecular consequence: frameshift variant.
Genome position (GRCh38, 1-based): chr5:112,838,773-112,838,777, TAAAA deleted; deleting any 5 consecutive bases within chr5:112,838,770-112,838,777 gives the same sequence; the c. name uses the placement nearest the transcript's 3' end. VCF-style (leftmost placement, unchanged base first): chr5-112838769-GAAATA-G. GRCh37 (hg19) VCF-style: chr5-112174466-GAAATA-G.
Other names: c.3179_3183del, p.Ile1060fs (NM_001127510.3, NM_001354895.2); c.3125_3129del, p.Ile1042fs (NM_001127511.3); c.3233_3237del, p.Ile1078fs (NM_001354896.2); c.3209_3213del, p.Ile1070fs (NM_001354897.2); c.3104_3108del, p.Ile1035fs (NM_001354898.2); c.3095_3099del, p.Ile1032fs (NM_001354899.2); c.3056_3060del, p.Ile1019fs (NM_001354900.2); c.3002_3006del, p.Ile1001fs (NM_001354901.2); and 5 more; short protein forms I1032fs, I1060fs, I1070fs, I959fs, I969fs, I1001fs, I777fs, I1019fs.
Identifiers: ClinVar variation 537504 (VCV000537504.11), dbSNP rs1554084794, ClinGen allele CA658760882.

ClinVar aggregate classification (germline): Pathogenic (1 of 4 stars; one submission).

Conditions:
Familial adenomatous polyposis 1 (FAP1). Also called: FAMILIAL ADENOMATOUS POLYPOSIS 1, ATTENUATED; POLYPOSIS, ADENOMATOUS INTESTINAL. Identifiers: MedGen C2713442, MONDO:0021056, OMIM 175100. Disease mechanism: loss of function.

Submission:

Labcorp Genetics (formerly Invitae), Labcorp
Classification: Pathogenic for Familial adenomatous polyposis 1. Last evaluated: 2018-12-03. Review status: criteria provided, single submitter. Criteria: Invitae Variant Classification Sherloc (09022015). Collection method: clinical testing. Allele origin: germline.
Comment: For these reasons, this variant has been classified as Pathogenic. A different truncation (p.Tyr2645Lysfs*14) that lies downstream of this variant has been determined to be pathogenic (PMID: 9824584, 1316610, 27081525, 8381579, 22135120, Invitae). This suggests that deletion of this region of the APC protein is causative of disease. This variant is expected to disrupt the EB1 and HDLG binding sites, which mediate interactions with the cytoskeleton (PMID: 15311282, 17293347). While functional studies have not been performed to directly test the effect on APC protein function, this suggests that disruption of the C-terminal portion of the protein is functionally important. This variant has been reported in families affected with familial adenomatous polyposis (PMID: 12010888). This variant is reported as a 5 bp deletion at codon 1059 in the literature. ClinVar contains an entry for this variant (Variation ID: 537504). This variant is not present in population databases (ExAC no frequency). This sequence change results in a premature translational stop signal in the APC gene (p.Ile1060Thrfs*3). While this is not anticipated to result in nonsense mediated decay, it is expected to delete the last 1782 amino acids (~63%) of the APC protein.

Literature cited by the submitters: PubMed 9824584; PubMed 1316610; PubMed 27081525; PubMed 8381579; PubMed 22135120; PubMed 15311282; PubMed 17293347; PubMed 12010888.